The following is an entry in ClinVar:

NM_006306.4(SMC1A):c.2007del (p.Ala670fs)

Gene: SMC1A (structural maintenance of chromosomes 1A; minus strand). Cytogenetic location: Xp11.22.
Variant type: Deletion.
Coding change: c.2007del on transcript NM_006306.4 (MANE Select); coding-DNA position 2007, one base deleted (A; older notation c.2007delA).
Protein change: p.Ala670fs; shifts the reading frame from alanine 670.
Molecular consequence: frameshift variant.
Genome position (GRCh38, 1-based): chrX:53,405,296, T deleted on the plus strand (A on the coding strand, the reverse complement: SMC1A is on the minus strand); the first of 3 consecutive T bases (chrX:53,405,296-53,405,298); deleting any one gives the same sequence. VCF-style (leftmost placement, unchanged base first): chrX-53405295-CT-C. GRCh37 (hg19) VCF-style: chrX-53432227-CT-C.
Other names: c.1941del, p.Ala648fs (NM_001281463.1); short protein forms A648fs, A670fs.
Identifiers: ClinVar variation 4855246 (VCV004855246.1).

ClinVar aggregate classification (germline): Likely pathogenic (1 of 4 stars; one submission).

Conditions:
Developmental and epileptic encephalopathy, 85, with or without midline brain defects. Also called: EPILEPTIC ENCEPHALOPATHY, EARLY INFANTILE, 85, WITH OR WITHOUT MIDLINE BRAIN DEFECTS. Identifiers: MedGen C5393312, MONDO:0026771, OMIM 301044.

Submission:

3billion
Classification: Likely pathogenic for Developmental and epileptic encephalopathy, 85, with or without midline brain defects. Last evaluated: 2025-11-24. Review status: criteria provided, single submitter. Criteria: ACMG Guidelines, 2015. Collection method: clinical testing. Allele origin: germline. Affected: yes.
Comment: The variant is not observed in the gnomAD v4.1.0 dataset. Predicted Consequence/Location: Frameshift: predicted to result in a loss or disruption of normal protein function through nonsense-mediated decay (NMD) or protein truncation. Multiple pathogenic variants are reported downstream of the variant. Therefore, this variant is classified as Likely pathogenic according to the recommendation of ACMG/AMP guideline.